The following is an entry in ClinVar:

NM_015557.3(CHD5):c.1786C>T (p.Arg596Ter)

Gene: CHD5 (chromodomain helicase DNA binding protein 5; minus strand). Cytogenetic location: 1p36.31.
Variant type: single nucleotide variant.
Coding change: c.1786C>T on transcript NM_015557.3 (MANE Select); coding-DNA position 1786, C replaced by T.
Protein change: p.Arg596Ter; replaces arginine 596 with a stop codon.
Molecular consequence: nonsense.
Genome position (GRCh38, 1-based): chr1:6,146,228, G>A on the plus strand (C>T on the coding strand, the complement: CHD5 is on the minus strand). VCF-style: chr1-6146228-G-A. GRCh37 (hg19) VCF-style: chr1-6206288-G-A.
Other names: c.1786C>T (NM_015557.2); short protein forms R596*.
Identifiers: ClinVar variation 995779 (VCV000995779.3), dbSNP rs2100860639, ClinGen allele CA338082078.

ClinVar aggregate classification (germline): Likely pathogenic. Review status: criteria provided, multiple submitters, no conflicts (2 of 4 stars). 2 submissions from 2 submitters: Likely pathogenic (2). Last evaluated 2026-04-12.

Conditions:
Global developmental delay (DD). Also called: Cognitive delay. Identifiers: MedGen C0557874, HP:0001263. Disease mechanism: loss of function.

Allele frequency attached by ClinVar (database versions not stated): gnomAD exomes below 0.00001.
gnomAD v4.1: 1 of 1,614,080 alleles (0.000062%); highest among the groups gnomAD compares: Non-Finnish European, 0.000085%; no homozygotes.

Submissions (2):

GeneDx
Classification: Likely pathogenic. Last evaluated: 2026-04-12. Review status: criteria provided, single submitter. Criteria: GeneDx Variant Classification Process June 2021. Collection method: clinical testing. Allele origin: germline.
Comment: Nonsense variant predicted to result in protein truncation or nonsense mediated decay in a gene for which loss of function is a known mechanism of disease; Not observed at significant frequency in large population cohorts (gnomAD); This variant is associated with the following publications: (PMID: 33944996)

Institute for Human Genetics, University Hospital Essen
Classification: Likely pathogenic for Global developmental delay. Last evaluated: 2021-01-18. Review status: criteria provided, single submitter. Criteria: ACMG Guidelines, 2015. Collection method: research. Allele origin: inherited. Affected: yes.

Literature cited by the submitters: PubMed 33944996 (cited by Institute for Human Genetics, University Hospital Essen).